The following is an entry in ClinVar:

ClinVar aggregate classification (germline): Conflicting classifications of pathogenicity. Review status: criteria provided, conflicting classifications (1 of 4 stars). 2 submissions from 2 submitters: Uncertain significance (1); Likely benign (1). Last evaluated 2023-02-01.

Allele frequency attached by ClinVar (database versions not stated): gnomAD 0.00004; ExAC 0.00008; gnomAD exomes 0.00008; TOPMed 0.00008.
gnomAD v4.1: 129 of 1,608,864 alleles (0.008%); highest among the groups gnomAD compares: Non-Finnish European, 0.0056%; no homozygotes.

Submissions (2):

CeGaT Center for Human Genetics Tuebingen
Classification: Likely benign. Last evaluated: 2023-02-01. Review status: criteria provided, single submitter. Criteria: CeGaT Center For Human Genetics Tuebingen Variant Classification Criteria Version 2. Collection method: clinical testing. Allele origin: germline. Affected: yes. Observed: 2 variant alleles.
Comment: IL37: BP4

Ambry Genetics
Classification: Uncertain significance. Last evaluated: 2022-02-03. Review status: criteria provided, single submitter. Criteria: Ambry Variant Classification Scheme 2023. Collection method: clinical testing. Allele origin: germline.

NM_014439.4(IL37):c.308C>T (p.Ala103Val)

Gene: IL37 (interleukin 37; plus strand). Cytogenetic location: 2q14.1.
Variant type: single nucleotide variant.
Coding change: c.308C>T on transcript NM_014439.4 (MANE Select); coding-DNA position 308, C replaced by T.
Protein change: p.Ala103Val; replaces alanine 103 with valine.
Molecular consequence: missense variant.
Genome position (GRCh38, 1-based): chr2:112,917,677, C>T. VCF-style: chr2-112917677-C-T. GRCh37 (hg19) VCF-style: chr2-113675254-C-T.
Other names: c.245C>T, p.Ala82Val (NM_173202.2); c.125C>T, p.Ala42Val (NM_173203.2); c.188C>T, p.Ala63Val (NM_173204.2); c.230C>T, p.Ala77Val (NM_173205.2); short protein forms A103V, A42V, A63V, A77V, A82V.
Identifiers: ClinVar variation 2354250 (VCV002354250.26), dbSNP rs765216544, ClinGen allele CA1837586.